The following is an entry in ClinVar:

NM_001197104.2(KMT2A):c.7941_7942del (p.Ile2648fs)

Gene: KMT2A (lysine methyltransferase 2A; plus strand). Cytogenetic location: 11q23.3.
Variant type: Deletion.
Coding change: c.7941_7942del on transcript NM_001197104.2 (MANE Select); coding-DNA positions 7941 to 7942, 2 bases deleted (CA; older notation c.7941_7942delCA).
Protein change: p.Ile2648fs; shifts the reading frame from isoleucine 2648.
Molecular consequence: frameshift variant.
Genome position (GRCh38, 1-based): chr11:118,503,833-118,503,834, CA deleted; deleting any 2 consecutive bases within chr11:118,503,832-118,503,834 gives the same sequence; the c. name uses the placement nearest the transcript's 3' end. VCF-style (leftmost placement, unchanged base first): chr11-118503831-GAC-G. GRCh37 (hg19) VCF-style: chr11-118374546-GAC-G.
Other names: c.7932_7933del, p.Ile2645fs (NM_005933.4); short protein forms I2645fs, I2648fs.
Identifiers: ClinVar variation 1709459 (VCV001709459.2), dbSNP rs2497004554, ClinGen allele CA2580083695.

ClinVar aggregate classification (germline): Likely pathogenic (1 of 4 stars; one submission).

Conditions:
Wiedemann-Steiner syndrome (WDSTS). Also called: Growth deficiency and mental retardation with facial dysmorphism. Identifiers: Orphanet 319182, MedGen C1854630, MONDO:0011518, OMIM 605130.

Submission:

MGZ Medical Genetics Center
Classification: Likely pathogenic for Wiedemann-Steiner syndrome. Last evaluated: 2022-06-15. Review status: criteria provided, single submitter. Criteria: ACMG Guidelines, 2015. Collection method: clinical testing. Allele origin: germline. Affected: yes. Observed: 1 variant allele.
Comment: ACMG criteria applied: PS2, PVS1_MOD, PM2_SUP